The following is an entry in ClinVar:

ClinVar aggregate classification (germline): Pathogenic/Likely pathogenic. Review status: criteria provided, multiple submitters, no conflicts (2 of 4 stars). 2 submissions from 2 submitters: Pathogenic (1); Likely pathogenic (1). Last evaluated 2025-12-17.

Allele frequency attached by ClinVar (database versions not stated): gnomAD exomes below 0.00001.
gnomAD v4.1: 1 of 1,614,076 alleles (0.000062%); highest among the groups gnomAD compares: Non-Finnish European, 0.000085%; no homozygotes.

Submissions (2):

Labcorp Genetics (formerly Invitae), Labcorp
Classification: Pathogenic. Last evaluated: 2025-12-17. Review status: criteria provided, single submitter. Criteria: Invitae Variant Classification Sherloc (09022015). Collection method: clinical testing. Allele origin: germline.
Comment: This sequence change creates a premature translational stop signal (p.Gln622*) in the TET2 gene. It is expected to result in an absent or disrupted protein product. Loss-of-function variants in TET2 are known to be pathogenic (PMID: 36066697). This variant is present in population databases (no rsID available, gnomAD 0.0009%). This variant has not been reported in the literature in individuals affected with TET2-related conditions. ClinVar contains an entry for this variant (Variation ID: 1176034). For these reasons, this variant has been classified as Pathogenic.

CeGaT Center for Human Genetics Tuebingen
Classification: Likely pathogenic. Last evaluated: 2021-04-01. Review status: criteria provided, single submitter. Criteria: CeGaT Center For Human Genetics Tuebingen Variant Classification Criteria Version 2. Collection method: clinical testing. Allele origin: germline. Affected: yes. Observed: 1 variant allele.

Literature cited by the submitters: PubMed 36066697 (cited by Labcorp Genetics (formerly Invitae), Labcorp).

NM_001127208.3(TET2):c.1864C>T (p.Gln622Ter)

Genes: TET2 (tet methylcytosine dioxygenase 2; plus strand), TET2-AS1 (TET2 antisense RNA 1; minus strand). Cytogenetic location: 4q24.
Variant type: single nucleotide variant.
Coding change: c.1864C>T on transcript NM_001127208.3 (MANE Select); coding-DNA position 1864, C replaced by T.
Protein change: p.Gln622Ter; replaces glutamine 622 with a stop codon.
Molecular consequence: nonsense.
Genome position (GRCh38, 1-based): chr4:105,235,806, C>T. VCF-style: chr4-105235806-C-T. GRCh37 (hg19) VCF-style: chr4-106156963-C-T.
Other names: c.1864C>T, p.Gln622Ter (NM_017628.4); short protein forms Q622*.
Identifiers: ClinVar variation 1176034 (VCV001176034.36), dbSNP rs1267284740, ClinGen allele CA357796697.
Genomic context (GRCh38, chr4:105,235,806, plus strand): 5'-TCCAAACAATACACTGGAAATTCCAACATGCCTGGGGGGCTCCCAAGGCAAGCTTACACC[C>T]AGAAAACAACACAGCTGGAGCACAAGTCACAAATGTACCAAGTTGAAATGAATCAAGGGC-3'